The following is an entry in ClinVar:

ClinVar aggregate classification (germline): Pathogenic. Review status: criteria provided, multiple submitters, no conflicts (2 of 4 stars). 2 submissions from 2 submitters: Pathogenic (2). Last evaluated 2024-12-24.

Conditions:
Primary ciliary dyskinesia. Also called: Ciliary dyskinesia. Identifiers: Orphanet 244, MedGen C0008780, MONDO:0016575, HP:0012265.
RPGR-related disorder. Also called: RPGR-related condition.

Submissions (2):

Labcorp Genetics (formerly Invitae), Labcorp
Classification: Pathogenic for Primary ciliary dyskinesia. Last evaluated: 2024-12-24. Review status: criteria provided, single submitter. Criteria: Invitae Variant Classification Sherloc (09022015). Collection method: clinical testing. Allele origin: germline.
Comment: This sequence change creates a premature translational stop signal (p.Glu982Glyfs*90) in the RPGR (ORF15) gene. While this is not anticipated to result in nonsense mediated decay, it is expected to disrupt the last 171 amino acid(s) of the RPGR (ORF15) protein. This variant is not present in population databases (gnomAD no frequency). This premature translational stop signal has been observed in individual(s) with RPGR-related conditions (PMID: 34985506, 36284670). ClinVar contains an entry for this variant (Variation ID: 975122). This variant disrupts a region of the RPGR (ORF15) protein in which other variant(s) (p.Asn1132Thrfs*20) have been determined to be pathogenic (PMID: 16969763, 31645972; internal data). This suggests that this is a clinically significant region of the protein, and that variants that disrupt it are likely to be disease-causing. For these reasons, this variant has been classified as Pathogenic.

Blueprint Genetics
Classification: Pathogenic for RPGR-related disorders. Last evaluated: 2019-08-23. Review status: criteria provided, single submitter. Criteria: ACMG Guidelines, 2015. Collection method: clinical testing. Allele origin: germline. Affected: yes. Observed: 1 variant allele.

Literature cited by the submitters: PubMed 34985506 (cited by Labcorp Genetics (formerly Invitae), Labcorp); PubMed 36284670 (cited by Labcorp Genetics (formerly Invitae), Labcorp); PubMed 16969763 (cited by Labcorp Genetics (formerly Invitae), Labcorp); PubMed 31645972 (cited by Labcorp Genetics (formerly Invitae), Labcorp).

NM_001034853.2(RPGR):c.2945_2964del (p.Glu982fs)

Gene: RPGR (retinitis pigmentosa GTPase regulator; minus strand). Cytogenetic location: Xp11.4.
Variant type: Deletion.
Coding change: c.2945_2964del on transcript NM_001034853.2 (MANE Select); coding-DNA positions 2945 to 2964, 20 bases deleted (AAGAGGAGGAAGGAGAAGGG).
Protein change: p.Glu982fs; shifts the reading frame from glutamic acid 982.
Molecular consequence: frameshift variant. On other transcripts: intron variant (8).
Genome position (GRCh38, 1-based): chrX:38,286,035-38,286,054, CCCTTCTCCTTCCTCCTCTT deleted on the plus strand (AAGAGGAGGAAGGAGAAGGG on the coding strand, the reverse complement: RPGR is on the minus strand); deleting any 20 consecutive bases within chrX:38,286,035-38,286,057 gives the same sequence; the c. name uses the placement nearest the transcript's 3' end. VCF-style (leftmost placement, unchanged base first): chrX-38286034-CCCCTTCTCCTTCCTCCTCTT-C. GRCh37 (hg19) VCF-style: chrX-38145287-CCCCTTCTCCTTCCTCCTCTT-C.
Other names: c.1569+4905_1569+4924del (NM_001367249.1, NM_001367250.1); c.1902+1040_1902+1059del (NM_001367245.1); c.1386+4905_1386+4924del (NM_001367251.1); c.1719+1040_1719+1059del (NM_001367246.1); c.1572+4905_1572+4924del (NM_001367247.1); c.1905+1040_1905+1059del (NM_000328.3); c.1602+4905_1602+4924del (NM_001367248.1); short protein forms E982fs.
Identifiers: ClinVar variation 975122 (VCV000975122.4), dbSNP rs2067135227, ClinGen allele CA1139667408.
Genomic context (GRCh38, chrX:38,286,034, plus strand): 5'-CTTCTTCCTCTCCCTCTCCTTCTTCCTCCCCTTCTTCTTCCCCTTCCTCCTCTTCCCCCT[CCCCTTCTCCTTCCTCCTCTT>C]CCCCCTCCCCTTCTCCTTCCTCCCCTTCCCCTTCTCCTTCCTCTTCCCCCTCCCCTTCTC-3'